The following is an entry in ClinVar:

NM_004006.3(DMD):c.6238C>T (p.Gln2080Ter)

Gene: DMD (dystrophin; minus strand). Cytogenetic location: Xp21.1.
Variant type: single nucleotide variant.
Coding change: c.6238C>T on transcript NM_004006.3 (MANE Select); coding-DNA position 6238, C replaced by T.
Protein change: p.Gln2080Ter; replaces glutamine 2080 with a stop codon.
Molecular consequence: nonsense.
Genome position (GRCh38, 1-based): chrX:32,287,581, G>A on the plus strand (C>T on the coding strand, the complement: DMD is on the minus strand). VCF-style: chrX-32287581-G-A. GRCh37 (hg19) VCF-style: chrX-32305698-G-A.
Other names: c.6214C>T, p.Gln2072Ter (NM_000109.4); c.6226C>T, p.Gln2076Ter (NM_004009.3); c.5869C>T, p.Gln1957Ter (NM_004010.3); c.2215C>T, p.Gln739Ter (NM_004011.4); c.2206C>T, p.Gln736Ter (NM_004012.4); short protein forms Q1957*, Q2072*, Q2076*, Q2080*, Q736*, Q739*.
Identifiers: ClinVar variation 2737150 (VCV002737150.3), dbSNP rs1340785309, ClinGen allele CA412665885.

ClinVar aggregate classification (germline): Pathogenic (1 of 4 stars; one submission).

Conditions:
Duchenne muscular dystrophy (DMD). Also called: MUSCULAR DYSTROPHY, PSEUDOHYPERTROPHIC PROGRESSIVE, DUCHENNE TYPE; Duchenne Muscular Dystrophy (DMD). Identifiers: Orphanet 98896, MedGen C0013264, MONDO:0010679, OMIM 310200.

Submission:

Labcorp Genetics (formerly Invitae), Labcorp
Classification: Pathogenic for Duchenne muscular dystrophy. Last evaluated: 2023-06-06. Review status: criteria provided, single submitter. Criteria: Invitae Variant Classification Sherloc (09022015). Collection method: clinical testing. Allele origin: germline.
Comment: This variant is not present in population databases (gnomAD no frequency). For these reasons, this variant has been classified as Pathogenic. This premature translational stop signal has been observed in individual(s) with Duchenne muscular dystrophy (PMID: 17041906, 31069529). This sequence change creates a premature translational stop signal (p.Gln2080*) in the DMD gene. It is expected to result in an absent or disrupted protein product. Loss-of-function variants in DMD are known to be pathogenic (PMID: 16770791, 25007885).

Literature cited by the submitters: PubMed 17041906; PubMed 31069529; PubMed 16770791; PubMed 25007885.